The following is an entry in ClinVar:

ClinVar aggregate classification (germline): Uncertain significance. Review status: criteria provided, multiple submitters, no conflicts (2 of 4 stars). 3 submissions from 3 submitters: Uncertain significance (3). Last evaluated 2025-05-13.

Conditions:
Lynch syndrome. Identifiers: Orphanet 144, MedGen C4552100, MONDO:0005835. Disease mechanism: loss of function.
Hereditary nonpolyposis colorectal neoplasms. Identifiers: MedGen C0009405, MeSH D003123.
Hereditary cancer-predisposing syndrome. Also called: Neoplastic Syndromes, Hereditary; Tumor predisposition; Hereditary Cancer Syndrome; Hereditary neoplastic syndrome. Identifiers: Orphanet 140162, MedGen C0027672, MeSH D009386, MONDO:0015356.

Submissions (3):

Ambry Genetics
Classification: Uncertain significance for Hereditary cancer-predisposing syndrome. Last evaluated: 2025-05-13. Review status: criteria provided, single submitter. Criteria: Ambry Variant Classification Scheme 2023. Collection method: clinical testing. Allele origin: germline.
Comment: The p.A300V variant (also known as c.899C>T), located in coding exon 8 of the PMS2 gene, results from a C to T substitution at nucleotide position 899. The alanine at codon 300 is replaced by valine, an amino acid with similar properties. This amino acid position is well conserved in available vertebrate species. In addition, the in silico prediction for this alteration is inconclusive. Based on the available evidence, the clinical significance of this variant remains unclear.

Labcorp Genetics (formerly Invitae), Labcorp
Classification: Uncertain significance for Hereditary nonpolyposis colorectal neoplasms. Last evaluated: 2025-02-17. Review status: criteria provided, single submitter. Criteria: Invitae Variant Classification Sherloc (09022015). Collection method: clinical testing. Allele origin: germline.
Comment: This sequence change replaces alanine, which is neutral and non-polar, with valine, which is neutral and non-polar, at codon 300 of the PMS2 protein (p.Ala300Val). This variant is not present in population databases (gnomAD no frequency). This variant has not been reported in the literature in individuals affected with PMS2-related conditions. ClinVar contains an entry for this variant (Variation ID: 484279). Invitae Evidence Modeling incorporating data from in vitro experimental studies (internal data) indicates that this missense variant is not expected to disrupt PMS2 function with a negative predictive value of 95%. In summary, the available evidence is currently insufficient to determine the role of this variant in disease. Therefore, it has been classified as a Variant of Uncertain Significance.

All of Us Research Program, National Institutes of Health
Classification: Uncertain significance for Lynch syndrome. Last evaluated: 2024-04-25. Review status: criteria provided, single submitter. Criteria: ACMG Guidelines, 2015. Collection method: clinical testing. Allele origin: germline. Inheritance: Autosomal dominant inheritance. Observed: 1 variant allele, 1 heterozygote.
Comment: This missense variant replaces alanine with valine at codon 300 of the PMS2 protein. Computational prediction suggests that this variant may not impact protein structure and function (internally defined REVEL score threshold <= 0.5, PMID: 27666373). To our knowledge, functional studies have not been reported for this variant. This variant has not been reported in individuals affected with PMS2-related disorders in the literature. This variant has not been identified in the general population by the Genome Aggregation Database (gnomAD). The available evidence is insufficient to determine the role of this variant in disease conclusively. Therefore, this variant is classified as a Variant of Uncertain Significance.

This study involves interpretation of variants in research participants for the purpose of population health screening. Participant phenotype was not available at the time of variant classification. Additional details can be found in publication PMID: 35346344, PMCID: PMC8962531

NM_000535.7(PMS2):c.899C>T (p.Ala300Val)

Gene: PMS2 (PMS1 homolog 2, mismatch repair system component; minus strand). Cytogenetic location: 7p22.1.
Variant type: single nucleotide variant.
Coding change: c.899C>T on transcript NM_000535.7 (MANE Select); coding-DNA position 899, C replaced by T.
Protein change: p.Ala300Val; replaces alanine 300 with valine.
Molecular consequence: missense variant. On other transcripts: 5 prime UTR variant (2), non-coding transcript variant (1).
Genome position (GRCh38, 1-based): chr7:5,995,538, G>A on the plus strand (C>T on the coding strand, the complement: PMS2 is on the minus strand). VCF-style: chr7-5995538-G-A. GRCh37 (hg19) VCF-style: chr7-6035169-G-A.
Other names: c.494C>T, p.Ala165Val (NM_001322003.2, NM_001322004.2, NM_001322005.2 and 2 more transcripts); c.899C>T, p.Ala300Val (NM_001322006.2, NM_001322014.2); c.581C>T, p.Ala194Val (NM_001322007.2, NM_001322008.2); c.-35C>T (NM_001322011.2, NM_001322012.2); c.326C>T, p.Ala109Val (NM_001322013.2); c.590C>T, p.Ala197Val (NM_001322015.2); short protein forms A300V, A109V, A194V, A197V, A165V.
Identifiers: ClinVar variation 484279 (VCV000484279.15), dbSNP rs1554300702, ClinGen allele CA366743402.
Genomic context (GRCh38, chr7:5,995,538, plus strand): 5'-ATCAATTAAAAGTCAAAGGCATAAAGAACAAACTAACACAAAAAAATTTTAAATACCTTT[G>A]CTGGGTCACAAGGCCGCCGGTTGATAAAGAAAAACTGTCTGTCTGTTGAACTCCTTCCAA-3'
Protein context (NP_000526.2, residues 290-310): FFINRRPCDP[Ala300Val]KVCRLVNEVY